The following is an entry in ClinVar:

ClinVar aggregate classification (germline): Uncertain significance (1 of 4 stars; one submission).

Conditions:
Werner syndrome (WRN). Identifiers: Orphanet 902, MedGen C0043119, MONDO:0010196, OMIM 277700.

Submission:

Labcorp Genetics (formerly Invitae), Labcorp
Classification: Uncertain significance for Werner syndrome. Last evaluated: 2023-02-14. Review status: criteria provided, single submitter. Criteria: Invitae Variant Classification Sherloc (09022015). Collection method: clinical testing. Allele origin: germline.
Comment: In summary, the available evidence is currently insufficient to determine the role of this variant in disease. Therefore, it has been classified as a Variant of Uncertain Significance. An algorithm developed to predict the effect of missense changes on protein structure and function (PolyPhen-2) suggests that this variant is likely to be tolerated. This variant has not been reported in the literature in individuals affected with WRN-related conditions. This variant is not present in population databases (gnomAD no frequency). This sequence change replaces valine, which is neutral and non-polar, with alanine, which is neutral and non-polar, at codon 641 of the WRN protein (p.Val641Ala).

NM_000553.6(WRN):c.1922T>C (p.Val641Ala)

Gene: WRN (WRN RecQ like helicase; plus strand). Cytogenetic location: 8p12.
Variant type: single nucleotide variant.
Coding change: c.1922T>C on transcript NM_000553.6 (MANE Select); coding-DNA position 1922, T replaced by C.
Protein change: p.Val641Ala; replaces valine 641 with alanine.
Molecular consequence: missense variant.
Genome position (GRCh38, 1-based): chr8:31,096,791, T>C. VCF-style: chr8-31096791-T-C. GRCh37 (hg19) VCF-style: chr8-30954307-T-C.
Other names: short protein forms V641A.
Identifiers: ClinVar variation 2872513 (VCV002872513.3), dbSNP rs1060500069, ClinGen allele CA370929653.